The following is an entry in ClinVar:

ClinVar aggregate classification (germline): Uncertain significance (1 of 4 stars; one submission).

Submission:

GeneDx
Classification: Uncertain significance. Last evaluated: 2026-07-05. Review status: criteria provided, single submitter. Criteria: GeneDx Variant Classification Process June 2021. Collection method: clinical testing. Allele origin: germline.
Comment: Not observed at significant frequency in large population cohorts (gnomAD); In silico analysis suggests that this missense variant does not alter protein structure/function; Has not been previously published as pathogenic or benign to our knowledge

NM_001367479.1(DNAH14):c.8726C>G (p.Ser2909Cys)

Gene: DNAH14 (dynein axonemal heavy chain 14; plus strand). Cytogenetic location: 1q42.12.
Variant type: single nucleotide variant.
Coding change: c.8726C>G on transcript NM_001367479.1 (MANE Select); coding-DNA position 8726, C replaced by G.
Protein change: p.Ser2909Cys; replaces serine 2909 with cysteine.
Molecular consequence: missense variant.
Genome position (GRCh38, 1-based): chr1:225,303,250, C>G. VCF-style: chr1-225303250-C-G. GRCh37 (hg19) VCF-style: chr1-225490952-C-G.
Other names: NM_001373.1:c.8447C>G; short protein forms S2909C.
Identifiers: ClinVar variation 3572802 (VCV003572802.2).